The following is an entry in ClinVar:

NM_015915.5(ATL1):c.1119+7G>A

Gene: ATL1 (atlastin GTPase 1; plus strand). Cytogenetic location: 14q22.1.
Variant type: single nucleotide variant.
Coding change: c.1119+7G>A on transcript NM_015915.5 (MANE Select); 7 bases into the intron after coding-DNA position 1119, G replaced by A.
Molecular consequence: intron variant.
Genome position (GRCh38, 1-based): chr14:50,623,255, G>A. VCF-style: chr14-50623255-G-A. GRCh37 (hg19) VCF-style: chr14-51089973-G-A.
Other names: c.1119+7G>A (NM_001127713.1, NM_181598.4).
Identifiers: ClinVar variation 1551970 (VCV001551970.10), dbSNP rs1487034076, ClinGen allele CA613869836.

ClinVar aggregate classification (germline): Conflicting classifications of pathogenicity. Review status: criteria provided, conflicting classifications (1 of 4 stars). 2 submissions from 2 submitters: Uncertain significance (1); Likely benign (1). Last evaluated 2025-09-03.

Conditions:
Hereditary spastic paraplegia 3A (SPG3A). Also called: Spastic paraplegia 3A, autosomal dominant; SPASTIC PARAPLEGIA 3, AUTOSOMAL DOMINANT; FAMILIAL SPASTIC PARAPLEGIA, AUTOSOMAL DOMINANT, 1; SPG3; STRUMPELL DISEASE; Spastic Paraplegia 3A. Identifiers: Orphanet 100984, MedGen C2931355, MONDO:0008437, OMIM 182600.

Allele frequency attached by ClinVar (database versions not stated): gnomAD exomes below 0.00001; TOPMed 0.00001.
gnomAD v4.1: 4 of 1,610,214 alleles (0.00025%); highest among the groups gnomAD compares: East Asian, 0.0022%; no homozygotes.

Submissions (2):

Dasa
Classification: Uncertain significance. Last evaluated: 2025-09-03. Review status: criteria provided, single submitter. Criteria: DASA Assertion Criteria. Collection method: clinical testing. Allele origin: germline.
Comment: NM_015915.5(ATL1):c.1119+7G>A is a splice-region variant. This variant is rare in population databases. Computational prediction algorithms are consistent with a benign effect. The currently available literature and clinical evidence are not sufficient to establish a definitive association between this variant and the reported condition. Therefore, this variant is classified as a variant of uncertain significance.

Labcorp Genetics (formerly Invitae), Labcorp
Classification: Likely benign for Hereditary spastic paraplegia 3A. Last evaluated: 2022-11-01. Review status: criteria provided, single submitter. Criteria: Invitae Variant Classification Sherloc (09022015). Collection method: clinical testing. Allele origin: germline.